The following is an entry in ClinVar:

NM_001370658.1(BTD):c.1066C>T (p.Gln356Ter)

Gene: BTD (biotinidase; plus strand). Cytogenetic location: 3p25.1.
Variant type: single nucleotide variant.
Coding change: c.1066C>T on transcript NM_001370658.1 (MANE Select); coding-DNA position 1066, C replaced by T.
Protein change: p.Gln356Ter; replaces glutamine 356 with a stop codon.
Molecular consequence: nonsense. On other transcripts: intron variant (2).
Genome position (GRCh38, 1-based): chr3:15,644,982, C>T. VCF-style: chr3-15644982-C-T. GRCh37 (hg19) VCF-style: chr3-15686489-C-T.
Other names: c.1126C>T, p.Gln376Ter (NM_000060.4); c.1066C>T, p.Gln356Ter (NM_001281723.4, NM_001281724.3, NM_001281725.3 and 16 more transcripts); c.1015+51C>T (NM_001370752.1); c.399+2925C>T (NM_001370753.1); short protein forms Q356*.
Identifiers: ClinVar variation 552232 (VCV000552232.27), dbSNP rs760612966, ClinGen allele CA351608129.

ClinVar aggregate classification (germline): Likely pathogenic. Review status: criteria provided, single submitter (1 of 4 stars). 2 submissions from 2 submitters: Likely pathogenic (1). 1 of the submissions does not count toward it. Last evaluated 2023-11-01.

Conditions:
Biotinidase deficiency. Also called: BTD deficiency; Late-onset biotin-responsive multiple carboxylase deficiency; Biotin deficiency. Identifiers: Orphanet 79241, MedGen C0220754, MONDO:0009665, OMIM 253260.

Submissions (2):

CeGaT Center for Human Genetics Tuebingen
Classification: Likely pathogenic. Last evaluated: 2023-11-01. Review status: criteria provided, single submitter. Criteria: CeGaT Center For Human Genetics Tuebingen Variant Classification Criteria Version 2. Collection method: clinical testing. Allele origin: germline. Affected: yes. Observed: 1 variant allele.
Comment: BTD: PVS1:Strong, PM2, PM3:Supporting

Counsyl
Classification: Pathogenic for Biotinidase deficiency. Last evaluated: 2017-05-31. Review status: no assertion criteria provided. Collection method: clinical testing. Allele origin: unknown. Not counted in ClinVar's aggregate classification.

Literature cited by the submitters: PubMed 26810761 (cited by Counsyl).